The following is an entry in ClinVar:

ClinVar aggregate classification (germline): Likely benign (1 of 4 stars; one submission).

Submission:

CeGaT Center for Human Genetics Tuebingen
Classification: Likely benign. Last evaluated: 2025-07-01. Review status: criteria provided, single submitter. Criteria: CeGaT Center For Human Genetics Tuebingen Variant Classification Criteria Version 2. Collection method: clinical testing. Allele origin: germline. Affected: yes. Observed: 1 variant allele.
Comment: TFRC: PM2:Supporting, BP4, BP7

NM_001128148.3(TFRC):c.1986T>C (p.Asn662=)

Gene: TFRC (transferrin receptor; minus strand). Cytogenetic location: 3q29.
Variant type: single nucleotide variant.
Coding change: c.1986T>C on transcript NM_001128148.3 (MANE Select); coding-DNA position 1986, T replaced by C.
Protein change: p.Asn662=; no amino-acid change (asparagine 662 retained).
Molecular consequence: synonymous variant.
Genome position (GRCh38, 1-based): chr3:196,053,472, A>G on the plus strand (T>C on the coding strand, the complement: TFRC is on the minus strand). VCF-style: chr3-196053472-A-G. GRCh37 (hg19) VCF-style: chr3-195780343-A-G.
Other names: c.1743T>C, p.Asn581= (NM_001313965.2); c.1140T>C, p.Asn380= (NM_001313966.2); c.1986T>C, p.Asn662= (NM_003234.4).
Identifiers: ClinVar variation 4085361 (VCV004085361.8).